The following is an entry in ClinVar:

NM_001365951.3(KIF1B):c.248T>C (p.Leu83Ser)

Gene: KIF1B (kinesin family member 1B; plus strand). Cytogenetic location: 1p36.22.
Variant type: single nucleotide variant.
Coding change: c.248T>C on transcript NM_001365951.3 (MANE Select); coding-DNA position 248, T replaced by C.
Protein change: p.Leu83Ser; replaces leucine 83 with serine.
Molecular consequence: missense variant.
Genome position (GRCh38, 1-based): chr1:10,258,557, T>C. VCF-style: chr1-10258557-T-C. GRCh37 (hg19) VCF-style: chr1-10318615-T-C.
Other names: c.248T>C, p.Leu83Ser (NM_001365952.1, NM_001365953.1, NM_015074.3 and 1 more transcripts); short protein forms L83S.
Identifiers: ClinVar variation 3288478 (VCV003288478.1).

ClinVar aggregate classification (germline): Uncertain significance (1 of 4 stars; one submission).

gnomAD v4.1: 2 of 1,614,190 alleles (0.00012%); highest among the groups gnomAD compares: South Asian, 0.0011%; no homozygotes.

Submission:

Ambry Genetics
Classification: Uncertain significance. Last evaluated: 2024-06-07. Review status: criteria provided, single submitter. Criteria: Ambry Variant Classification Scheme 2023. Collection method: clinical testing. Allele origin: germline.
Comment: The p.L83S variant (also known as c.248T>C), located in coding exon 3 of the KIF1B gene, results from a T to C substitution at nucleotide position 248. The leucine at codon 83 is replaced by serine, an amino acid with dissimilar properties. This amino acid position is conserved. In addition, this alteration is predicted to be tolerated by in silico analysis. Based on the available evidence, the clinical significance of this variant remains unclear.